The following is an entry in ClinVar:

NM_001163321.4(CCDC120):c.603T>C (p.Asp201=)

Gene: CCDC120 (coiled-coil domain containing 120; plus strand). Cytogenetic location: Xp11.23.
Variant type: single nucleotide variant.
Coding change: c.603T>C on transcript NM_001163321.4 (MANE Select); coding-DNA position 603, T replaced by C.
Protein change: p.Asp201=; no amino-acid change (aspartic acid 201 retained).
Molecular consequence: synonymous variant.
Genome position (GRCh38, 1-based): chrX:49,064,543, T>C. VCF-style: chrX-49064543-T-C. GRCh37 (hg19) VCF-style: chrX-48922074-T-C.
Other names: c.462T>C, p.Asp154= (NM_001163322.2, NM_001163323.3); c.498T>C, p.Asp166= (NM_001271835.1, NM_001271836.2, NM_033626.3).
Identifiers: ClinVar variation 2660507 (VCV002660507.24), dbSNP rs2064929260, ClinGen allele CA516362902.

ClinVar aggregate classification (germline): Likely benign (1 of 4 stars; one submission).

Submission:

CeGaT Center for Human Genetics Tuebingen
Classification: Likely benign. Last evaluated: 2022-07-01. Review status: criteria provided, single submitter. Criteria: CeGaT Center For Human Genetics Tuebingen Variant Classification Criteria Version 2. Collection method: clinical testing. Allele origin: germline. Affected: yes. Observed: 1 variant allele.
Comment: CCDC120: PM2:Supporting, BP4, BP7